The following is an entry in ClinVar:

ClinVar aggregate classification (germline): Uncertain significance. Review status: criteria provided, multiple submitters, no conflicts (2 of 4 stars). 3 submissions from 3 submitters: Uncertain significance (3). Last evaluated 2025-05-06.

Conditions:
Cardiovascular phenotype. Identifiers: MedGen CN230736.
Dilated cardiomyopathy 1AA (CMD1AA). Also called: CARDIOMYOPATHY, DILATED, 1AA, WITH OR WITHOUT LEFT VENTRICULAR NONCOMPACTION; CARDIOMYOPATHY, FAMILIAL HYPERTROPHIC, 23, WITH OR WITHOUT LEFT VENTRICULAR NONCOMPACTION; Cardiomyopathy, dilated, 1AA, with or without LVNC. Identifiers: Orphanet 154, MedGen C2677338, MONDO:0012808, OMIM 612158.
Primary familial hypertrophic cardiomyopathy (HCM). Identifiers: Orphanet 99739, MedGen C0949658, MeSH D024741, MONDO:0024573. Inheritance: Various modes of inheritance.

Allele frequency attached by ClinVar (database versions not stated): TOPMed below 0.00001.

Submissions (3):

Ambry Genetics
Classification: Uncertain significance for Cardiovascular phenotype. Last evaluated: 2025-05-06. Review status: criteria provided, single submitter. Criteria: Ambry Variant Classification Scheme 2023. Collection method: clinical testing. Allele origin: germline.
Comment: The p.A219T variant (also known as c.655G>A), located in coding exon 7 of the ACTN2 gene, results from a G to A substitution at nucleotide position 655. The alanine at codon 219 is replaced by threonine, an amino acid with similar properties. This amino acid position is conserved. In addition, this alteration is predicted to be deleterious by in silico analysis. Based on the available evidence, the clinical significance of this variant remains unclear.

Labcorp Genetics (formerly Invitae), Labcorp
Classification: Uncertain significance for Primary familial hypertrophic cardiomyopathy; Dilated cardiomyopathy 1AA. Last evaluated: 2022-10-03. Review status: criteria provided, single submitter. Criteria: Invitae Variant Classification Sherloc (09022015). Collection method: clinical testing. Allele origin: germline.
Comment: ClinVar contains an entry for this variant (Variation ID: 517375). This variant has not been reported in the literature in individuals affected with ACTN2-related conditions. This variant is not present in population databases (gnomAD no frequency). This sequence change replaces alanine, which is neutral and non-polar, with threonine, which is neutral and polar, at codon 219 of the ACTN2 protein (p.Ala219Thr). Advanced modeling of protein sequence and biophysical properties (such as structural, functional, and spatial information, amino acid conservation, physicochemical variation, residue mobility, and thermodynamic stability) performed at Invitae indicates that this missense variant is expected to disrupt ACTN2 protein function. In summary, the available evidence is currently insufficient to determine the role of this variant in disease. Therefore, it has been classified as a Variant of Uncertain Significance.

Laboratory for Molecular Medicine, Mass General Brigham Personalized Medicine
Classification: Uncertain significance. Last evaluated: 2017-05-02. Review status: criteria provided, single submitter. Criteria: LMM Criteria. Collection method: clinical testing. Allele origin: germline. Observed: 1 variant allele.
Comment: The p.Ala219Thr variant in ACTN2 has not been previously reported in individuals with cardiomyopathy or in large population studies. Computational prediction to ols and conservation analysis suggest that this variant may impact the protein, though this information is not predictive enough to determine pathogenicity. In summary, the clinical significance of the p.Ala219Thr variant is uncertain.

NM_001103.4(ACTN2):c.655G>A (p.Ala219Thr)

Gene: ACTN2 (actinin alpha 2; plus strand). Cytogenetic location: 1q43.
Variant type: single nucleotide variant.
Coding change: c.655G>A on transcript NM_001103.4 (MANE Select); coding-DNA position 655, G replaced by A.
Protein change: p.Ala219Thr; replaces alanine 219 with threonine.
Molecular consequence: missense variant. On other transcripts: 5 prime UTR variant (1).
Genome position (GRCh38, 1-based): chr1:236,731,272, G>A. VCF-style: chr1-236731272-G-A. GRCh37 (hg19) VCF-style: chr1-236894572-G-A.
Other names: c.655G>A, p.Ala219Thr (NM_001278343.2); c.-167G>A (NM_001278344.2); short protein forms A219T.
Identifiers: ClinVar variation 517375 (VCV000517375.12), dbSNP rs1246542277, ClinGen allele CA345375846.